The following is an entry in ClinVar:

NM_000059.4(BRCA2):c.-17G>A

Gene: BRCA2 (BRCA2 DNA repair associated; plus strand). Cytogenetic location: 13q13.1.
Variant type: single nucleotide variant.
Coding change: c.-17G>A on transcript NM_000059.4 (MANE Select); 17 bases upstream of the start codon, G replaced by A.
Molecular consequence: 5 prime UTR variant. On other transcripts: non-coding transcript variant (1), intron variant (1).
Genome position (GRCh38, 1-based): chr13:32,316,444, G>A. VCF-style: chr13-32316444-G-A. GRCh37 (hg19) VCF-style: chr13-32890581-G-A.
Other names: c.-17G>A (NM_001406719.1, NM_001406720.1, NM_001406721.1 and 1 more transcripts); c.-303+777G>A (NM_001406722.1).
Identifiers: ClinVar variation 4733627 (VCV004733627.1).

ClinVar aggregate classification (germline): Uncertain significance (1 of 4 stars; one submission).

Conditions:
Hereditary breast ovarian cancer syndrome. Also called: BRCA1- and BRCA2-Associated Hereditary Breast and Ovarian Cancer; Breast and ovarian cancer; Hereditary breast and ovarian cancer; Hereditary breast and ovarian cancer syndrome (HBOC); Hereditary breast and ovarian cancer syndrome; Hereditary breast and/or ovarian cancer syndrome. Identifiers: Orphanet 145, MedGen C0677776, MeSH D061325, MONDO:0003582. Disease mechanism: loss of function.

gnomAD v4.1: 1 of 1,609,192 alleles (0.000062%); highest among the groups gnomAD compares: Non-Finnish European, 0.000085%; no homozygotes.

Submission:

Labcorp Genetics (formerly Invitae), Labcorp
Classification: Uncertain significance for Hereditary breast ovarian cancer syndrome. Last evaluated: 2025-12-19. Review status: criteria provided, single submitter. Criteria: Invitae Variant Classification Sherloc (09022015). Collection method: clinical testing. Allele origin: germline.
Comment: This variant occurs in a non-coding region of the BRCA2 gene. It does not change the encoded amino acid sequence of the BRCA2 protein. This variant is not present in population databases (gnomAD no frequency). This variant has not been reported in the literature in individuals affected with BRCA2-related conditions. In summary, the available evidence is currently insufficient to determine the role of this variant in disease. Therefore, it has been classified as a Variant of Uncertain Significance.